The following is an entry in ClinVar:

NM_000742.4(CHRNA2):c.913C>T (p.Leu305=)

Gene: CHRNA2 (cholinergic receptor nicotinic alpha 2 subunit; minus strand). Cytogenetic location: 8p21.2.
Variant type: single nucleotide variant.
Coding change: c.913C>T on transcript NM_000742.4 (MANE Select); coding-DNA position 913, C replaced by T.
Protein change: p.Leu305=; no amino-acid change (leucine 305 retained).
Molecular consequence: synonymous variant.
Genome position (GRCh38, 1-based): chr8:27,463,530, G>A on the plus strand (C>T on the coding strand, the complement: CHRNA2 is on the minus strand). VCF-style: chr8-27463530-G-A. GRCh37 (hg19) VCF-style: chr8-27321047-G-A.
Other names: p.L305L:CTG>TTG; p.Leu305=; c.868C>T, p.Leu290= (NM_001282455.2); c.436C>T, p.Leu146= (NM_001347705.2, NM_001347706.2); c.319C>T, p.Leu107= (NM_001347707.2, NM_001347708.2).
Identifiers: ClinVar variation 128742 (VCV000128742.61), dbSNP rs114294066, ClinGen allele CA288712.

ClinVar aggregate classification (germline): Benign. Review status: criteria provided, multiple submitters, no conflicts (2 of 4 stars). 7 submissions from 7 submitters: Benign (6). 1 of the submissions does not count toward it. Last evaluated 2026-01-29.

Conditions:
Familial sleep-related hypermotor epilepsy. Also called: Autosomal Dominant Sleep-Related Hypermotor (Hyperkinetic) Epilepsy. Identifiers: Orphanet 98784, MedGen C3696898, MONDO:0000030.
Inborn genetic diseases. Identifiers: MedGen C0950123, MeSH D030342.
Autosomal dominant nocturnal frontal lobe epilepsy 4. Also called: CHRNA2-Related Nocturnal Frontal Lobe Epilepsy, Autosomal Dominant; EPILEPSY, FAMILIAL, WITH NOCTURNAL WANDERING AND ICTAL FEAR. Identifiers: Orphanet 98784, MedGen C1835905, MONDO:0012474, OMIM 610353.

Allele frequency attached by ClinVar (database versions not stated): gnomAD exomes 0.00121 and 0.00326; 1000 Genomes Project 0.01058; gnomAD 0.01308 and 0.01212; ExAC 0.00385; TOPMed 0.01415; 1000 Genomes Project 30x 0.01124; ESP Exome Variant Server 0.01530.
gnomAD v4.1: 3,693 of 1,614,230 alleles (0.23%); highest among the groups gnomAD compares: African/African-American, 4.4%; 81 homozygotes.

Submissions (7):

Labcorp Genetics (formerly Invitae), Labcorp
Classification: Benign. Last evaluated: 2026-01-29. Review status: criteria provided, single submitter. Criteria: Invitae Variant Classification Sherloc (09022015). Collection method: clinical testing. Allele origin: germline.

Mayo Clinic Laboratories, Mayo Clinic
Classification: Benign. Last evaluated: 2018-08-03. Review status: criteria provided, single submitter. Criteria: ACMG Guidelines, 2015. Collection method: clinical testing. Allele origin: germline. Observed: 5 variant alleles.

Illumina Laboratory Services, Illumina
Classification: Benign for Autosomal dominant nocturnal frontal lobe epilepsy 4. Last evaluated: 2018-01-12. Review status: criteria provided, single submitter. Criteria: ICSL Variant Classification Criteria 13 December 2019. Collection method: clinical testing. Allele origin: germline.
Comment: This variant was observed in the ICSL laboratory as part of a predisposition screen in an ostensibly healthy population. It had not been previously curated by ICSL or reported in the Human Gene Mutation Database (HGMD: prior to June 1st, 2018), and was therefore a candidate for classification through an automated scoring system. Utilizing variant allele frequency, disease prevalence and penetrance estimates, and inheritance mode, an automated score was calculated to assess if this variant is too frequent to cause the disease. Based on the score and internal cut-off values, a variant classified as benign is not then subjected to further curation. The score for this variant resulted in a classification of benign for this disease.

Ambry Genetics
Classification: Benign for Inborn genetic diseases. Last evaluated: 2016-04-15. Review status: criteria provided, single submitter. Criteria: Ambry Variant Classification Scheme 2023. Collection method: clinical testing. Allele origin: germline.

GeneDx
Classification: Benign. Last evaluated: 2012-06-06. Review status: criteria provided, single submitter. Criteria: GeneDx Variant Classification (06012015). Collection method: clinical testing. Allele origin: germline. Affected: yes.
Comment: This variant is considered likely benign or benign based on one or more of the following criteria: it is a conservative change, it occurs at a poorly conserved position in the protein, it is predicted to be benign by multiple in silico algorithms, and/or has population frequency not consistent with disease.

Breakthrough Genomics
Classification: Benign. Review status: criteria provided, single submitter. Criteria: ACMG Guidelines, 2015. Collection method: not provided. Allele origin: germline. Inheritance: Autosomal dominant inheritance. Affected: yes.

Genetic Services Laboratory, University of Chicago
Classification: Likely benign for AllHighlyPenetrant. Review status: no assertion criteria provided. Collection method: clinical testing. Allele origin: germline. Inheritance: Autosomal dominant inheritance. Not counted in ClinVar's aggregate classification.
Comment: Likely benign based on allele frequency in 1000 Genomes Project or ESP global frequency and its presence in a patient with a rare or unrelated disease phenotype. NOT Sanger confirmed.